The following is an entry in ClinVar:

NM_006258.4(PRKG1):c.591G>T (p.Lys197Asn)

Gene: PRKG1 (protein kinase cGMP-dependent 1; plus strand). Cytogenetic location: 10q21.1.
Variant type: single nucleotide variant.
Coding change: c.591G>T on transcript NM_006258.4 (MANE Select); coding-DNA position 591, G replaced by T.
Protein change: p.Lys197Asn; replaces lysine 197 with asparagine.
Molecular consequence: missense variant.
Genome position (GRCh38, 1-based): chr10:51,467,835, G>T. VCF-style: chr10-51467835-G-T. GRCh37 (hg19) VCF-style: chr10-53227595-G-T.
Other names: c.546G>T, p.Lys182Asn (NM_001098512.3); c.591G>T, p.Lys197Asn (NM_001374782.1); short protein forms K182N, K197N.
Identifiers: ClinVar variation 4842687 (VCV004842687.1).

ClinVar aggregate classification (germline): Uncertain significance (1 of 4 stars; one submission).

Conditions:
Familial thoracic aortic aneurysm and aortic dissection (TAAD). Also called: Thoracic aortic aneurysms and dissections. Identifiers: Orphanet 91387, MedGen C4707243, MONDO:0019625.

Submission:

Ambry Genetics
Classification: Uncertain significance for Familial thoracic aortic aneurysm and aortic dissection. Last evaluated: 2025-12-16. Review status: criteria provided, single submitter. Criteria: Ambry Variant Classification Scheme 2023. Collection method: clinical testing. Allele origin: germline.
Comment: The p.K197N variant (also known as c.591G>T), located in coding exon 3 of the PRKG1 gene, results from a G to T substitution at nucleotide position 591. The lysine at codon 197 is replaced by asparagine, an amino acid with similar properties. This amino acid position is conserved. In addition, the in silico prediction for this alteration is inconclusive. Based on the available evidence, the clinical significance of this variant remains unclear.